The following is an entry in ClinVar:

ClinVar aggregate classification (germline): Likely pathogenic (1 of 4 stars; one submission).

Conditions:
SLC35A2-congenital disorder of glycosylation. Also called: EPILEPTIC ENCEPHALOPATHY, EARLY INFANTILE, 22; CONGENITAL DISORDER OF GLYCOSYLATION, TYPE IIm; CDG IIm; CONGENITAL DISORDER OF GLYCOSYLATION, TYPE IIm, SOMATIC MOSAIC; DEVELOPMENTAL AND EPILEPTIC ENCEPHALOPATHY 22; SLC35A2-CDG. Identifiers: Orphanet 356961, MedGen C3806688, MONDO:0010478, OMIM 300896.

Submission:

Undiagnosed Diseases Network, NIH
Classification: Likely pathogenic for SLC35A2-congenital disorder of glycosylation. Last evaluated: 2019-07-30. Review status: criteria provided, single submitter. Criteria: ACMG Guidelines, 2015. Collection method: clinical testing. Allele origin: somatic. Inheritance: Autosomal dominant inheritance. Affected: yes. Observed: 1 heterozygote, 1 mosaic individual.

Literature cited by the submitters: PubMed 30817854.

NM_005660.3(SLC35A2):c.245G>T (p.Cys82Phe)

Gene: SLC35A2 (solute carrier family 35 member A2; minus strand). Cytogenetic location: Xp11.23.
Variant type: single nucleotide variant.
Coding change: c.245G>T on transcript NM_005660.3 (MANE Select); coding-DNA position 245, G replaced by T.
Protein change: p.Cys82Phe; replaces cysteine 82 with phenylalanine.
Molecular consequence: missense variant. On other transcripts: intron variant (1).
Genome position (GRCh38, 1-based): chrX:48,909,843, C>A on the plus strand (G>T on the coding strand, the complement: SLC35A2 is on the minus strand). VCF-style: chrX-48909843-C-A. GRCh37 (hg19) VCF-style: chrX-48767120-C-A.
Other names: c.245G>T, p.Cys82Phe (NM_001032289.3, NM_001042498.3, NM_001282647.2); c.173G>T, p.Cys58Phe (NM_001282648.2); c.284G>T, p.Cys95Phe (NM_001282650.2); c.329G>T, p.Cys110Phe (NM_001282651.2); c.91+1703G>T (NM_001282649.2); short protein forms C82F, C58F, C110F, C95F.
Identifiers: ClinVar variation 453301 (VCV000453301.7), dbSNP rs1557043622, ClinGen allele CA412897640.